The following is an entry in ClinVar:

NM_178170.3(NEK8):c.1160G>T (p.Gly387Val)

Gene: NEK8 (NIMA related kinase 8; plus strand). Cytogenetic location: 17q11.2.
Variant type: single nucleotide variant.
Coding change: c.1160G>T on transcript NM_178170.3 (MANE Select); coding-DNA position 1160, G replaced by T.
Protein change: p.Gly387Val; replaces glycine 387 with valine.
Molecular consequence: missense variant.
Genome position (GRCh38, 1-based): chr17:28,738,183, G>T. VCF-style: chr17-28738183-G-T. GRCh37 (hg19) VCF-style: chr17-27065201-G-T.
Other names: short protein forms G387V.
Identifiers: ClinVar variation 3671466 (VCV003671466.2).

ClinVar aggregate classification (germline): Uncertain significance (1 of 4 stars; one submission).

Conditions:
Nephronophthisis 9 (NPHP9). Identifiers: Orphanet 655, MedGen C3151188, MONDO:0013444, OMIM 613824.

gnomAD v4.1: 6 of 1,614,068 alleles (0.00037%); highest among the groups gnomAD compares: East Asian, 0.013%; no homozygotes.

Submission:

Labcorp Genetics (formerly Invitae), Labcorp
Classification: Uncertain significance for Nephronophthisis 9. Last evaluated: 2025-10-18. Review status: criteria provided, single submitter. Criteria: Invitae Variant Classification Sherloc (09022015). Collection method: clinical testing. Allele origin: germline.
Comment: This sequence change replaces glycine, which is neutral and non-polar, with valine, which is neutral and non-polar, at codon 387 of the NEK8 protein (p.Gly387Val). This variant is present in population databases (rs748643938, gnomAD 0.03%). This variant has not been reported in the literature in individuals affected with NEK8-related conditions. ClinVar contains an entry for this variant (Variation ID: 3671466). An algorithm developed to predict the effect of missense changes on protein structure and function (PolyPhen-2) suggests that this variant is likely to be disruptive. In summary, the available evidence is currently insufficient to determine the role of this variant in disease. Therefore, it has been classified as a Variant of Uncertain Significance.